The following is an entry in ClinVar:

NM_000263.4(NAGLU):c.308G>A (p.Trp103Ter)

Gene: NAGLU (N-acetyl-alpha-glucosaminidase; plus strand). Cytogenetic location: 17q21.2.
Variant type: single nucleotide variant.
Coding change: c.308G>A on transcript NM_000263.4 (MANE Select); coding-DNA position 308, G replaced by A.
Protein change: p.Trp103Ter; replaces tryptophan 103 with a stop codon.
Molecular consequence: nonsense.
Genome position (GRCh38, 1-based): chr17:42,536,580, G>A. VCF-style: chr17-42536580-G-A. GRCh37 (hg19) VCF-style: chr17-40688598-G-A.
Other names: short protein forms W103*.
Identifiers: ClinVar variation 1456411 (VCV001456411.6), dbSNP rs2092906864, ClinGen allele CA399596035.

ClinVar aggregate classification (germline): Pathogenic (1 of 4 stars; one submission).

Conditions:
Mucopolysaccharidosis, MPS-III-B (MPS3B). Also called: N-ACETYL-ALPHA-D-GLUCOSAMINIDASE DEFICIENCY; NAGLU DEFICIENCY; SANFILIPPO SYNDROME B; MPS III B; MPS IIIB (Sanfilippo Syndrome Type B); MUCOPOLYSACCHARIDOSIS, TYPE IIIB. Identifiers: Orphanet 79270, MedGen C0086648, MONDO:0009656, OMIM 252920.
Charcot-Marie-Tooth disease axonal type 2V. Also called: CHARCOT-MARIE-TOOTH NEUROPATHY, TYPE 2V; CHARCOT-MARIE-TOOTH DISEASE, AXONAL, AUTOSOMAL DOMINANT, TYPE 2V. Identifiers: Orphanet 447964, MedGen C5569050, MONDO:0014665, OMIM 616491.

Submission:

Labcorp Genetics (formerly Invitae), Labcorp
Classification: Pathogenic for Charcot-Marie-Tooth disease axonal type 2V; Mucopolysaccharidosis, MPS-III-B. Last evaluated: 2022-03-19. Review status: criteria provided, single submitter. Criteria: Invitae Variant Classification Sherloc (09022015). Collection method: clinical testing. Allele origin: germline.
Comment: This variant has not been reported in the literature in individuals affected with NAGLU-related conditions. This variant is not present in population databases (gnomAD no frequency). Algorithms developed to predict the effect of sequence changes on RNA splicing suggest that this variant may create or strengthen a splice site. This sequence change creates a premature translational stop signal (p.Trp103*) in the NAGLU gene. It is expected to result in an absent or disrupted protein product. Loss-of-function variants in NAGLU are known to be pathogenic (PMID: 9832037, 10094189, 16151907). For these reasons, this variant has been classified as Pathogenic.

Literature cited by the submitters: PubMed 9832037; PubMed 10094189; PubMed 16151907.